The following is an entry in ClinVar:

ClinVar aggregate classification (germline): Likely pathogenic. Review status: criteria provided, multiple submitters, no conflicts (2 of 4 stars). 3 submissions from 3 submitters: Likely pathogenic (2). 1 of the submissions does not count toward it. Last evaluated 2023-06-22.

Conditions:
Juvenile arthritis due to defect in LACC1. Also called: Juvenile arthritis. Identifiers: MedGen CN263340, MONDO:0032920, OMIM 618795.

Allele frequency attached by ClinVar (database versions not stated): gnomAD 0.00001; gnomAD exomes 0.00001; ExAC 0.00002; TOPMed 0.00002.

Submissions (3):

Neuberg Centre For Genomic Medicine, NCGM
Classification: Likely pathogenic for Juvenile arthritis due to defect in LACC1. Last evaluated: 2023-06-22. Review status: criteria provided, single submitter. Criteria: ACMG Guidelines, 2015. Collection method: clinical testing. Allele origin: germline. Inheritance: Autosomal recessive inheritance. Affected: yes.
Comment: The inframe deletion [c.988_990del | p.Ile330del] variant in LACC1 gene has been reported in homozygous state in multiple individuals affected with Juvenile arthritis (Wu et. al., 2023; abionet et. al., 2019; Karacan et. al., 2018). The p.Ile330del variant is present with allele frequency of 0.0008% in gnomAD exomes database. This variant has been submitted to the ClinVar database as Pathogenic. This p.Ile330del causes deletion of amino acid Isoleucine at position 330. However, functional studies will be required to confirm the pathogenicity of the variant. For these reasons, this variant is classified as Likely Pathogenic.

Juno Genomics, Hangzhou Juno Genomics, Inc
Classification: Likely pathogenic for Juvenile arthritis due to defect in LACC1. Review status: criteria provided, single submitter. Criteria: ACMG Guidelines, 2015. Collection method: clinical testing. Allele origin: germline.
Comment: Absent from controls (or at extremely low frequency if recessive) in Genome Aggregation Database.;Protein length changes due to in-frame deletions/insertions in a non-repeat region or stop-loss variants.;For recessive disorders, detected in trans with a pathogenic variant.;Co-segregation with disease in multiple affected family members.;Patient's phenotype or family history is highly specific for a disease with a single genetic etiology.

OMIM
Classification: Pathogenic for JUVENILE ARTHRITIS. Last evaluated: 2020-02-28. Review status: no assertion criteria provided. Collection method: literature only. Allele origin: germline. Not counted in ClinVar's aggregate classification.

Literature cited by the submitters: PubMed 29717096 (cited by OMIM).

NM_153218.4(LACC1):c.988_990del (p.Ile330del)

Gene: LACC1 (laccase domain multifunctional purine nucleosidase 1; plus strand). Cytogenetic location: 13q14.11.
Variant type: Deletion.
Coding change: c.988_990del on transcript NM_153218.4 (MANE Select); coding-DNA positions 988 to 990, 3 bases deleted (ATT; older notation c.988_990delATT).
Protein change: p.Ile330del; deletes isoleucine 330.
Molecular consequence: inframe deletion.
Genome position (GRCh38, 1-based): chr13:43,888,837-43,888,839, ATT deleted. VCF-style (leftmost placement, unchanged base first): chr13-43888836-CATT-C. GRCh37 (hg19) VCF-style: chr13-44462972-CATT-C.
Other names: c.988_990del, p.Ile330del (NM_001128303.2, NM_001350638.2, NM_001350639.2 and 4 more transcripts); c.220_222del, p.Ile74del (NM_001350644.2, NM_001350645.2, NM_001350646.2 and 2 more transcripts); short protein forms I330del, I74del.
Identifiers: ClinVar variation 814025 (VCV000814025.5), dbSNP rs776489319, ClinGen allele CA6969210.
Genomic context (GRCh38, chr13:43,888,836, plus strand): 5'-GGGTGTTGCTATGGCTACAGTGAATGCTATGATAGCAGAATATGGCTGCAGTTTGGAAGA[CATT>C]GTTGTTGTACTTGGACCTTCAGTAGGACCTTGCTGTTTTACTCTTCCAAGGGAATCAGCA-3'